The following is an entry in ClinVar:

NM_018979.4(WNK1):c.2401A>G (p.Ile801Val)

Gene: WNK1 (WNK lysine deficient protein kinase 1; plus strand). Cytogenetic location: 12p13.33.
Variant type: single nucleotide variant.
Coding change: c.2401A>G on transcript NM_018979.4 (MANE Select); coding-DNA position 2401, A replaced by G.
Protein change: p.Ile801Val; replaces isoleucine 801 with valine.
Molecular consequence: missense variant. On other transcripts: intron variant (3).
Genome position (GRCh38, 1-based): chr12:879,600, A>G. VCF-style: chr12-879600-A-G. GRCh37 (hg19) VCF-style: chr12-988766-A-G.
Other names: c.3867+1239A>G (NM_213655.5); c.3613-1121A>G (NM_001184985.2); c.2370+1239A>G (NM_014823.3); short protein forms I801V.
Identifiers: ClinVar variation 440420 (VCV000440420.16), dbSNP rs139449198, ClinGen allele CA6382475.

ClinVar aggregate classification (germline): Conflicting classifications of pathogenicity. Review status: criteria provided, conflicting classifications (1 of 4 stars). 3 submissions from 3 submitters: Uncertain significance (1); Benign (1); Likely benign (1). Last evaluated 2025-10-27.

Conditions:
WNK1-related disorder. Also called: WNK1-related condition.
Neuropathy, hereditary sensory and autonomic, type 2A (HSAN2A). Also called: ACROOSTEOLYSIS, GIACCAI TYPE; ACROOSTEOLYSIS, NEUROGENIC; HSAN IIA; WNK1-Related HSAN2 (HSAN2A); MORVAN DISEASE; NEUROPATHY, CONGENITAL SENSORY. Identifiers: Orphanet 970, MedGen C2752089, MONDO:0024309, OMIM 201300.
Pseudohypoaldosteronism type 2C (PHA2C). Also called: Pseudohypoaldosteronism Type IIC. Identifiers: Orphanet 757, Orphanet 88940, MedGen C1840391, MONDO:0013778, OMIM 614492.

Allele frequency attached by ClinVar (database versions not stated): gnomAD exomes 0.00004 and 0.00012; ExAC 0.00017; 1000 Genomes Project 0.00040; ESP Exome Variant Server 0.00046; 1000 Genomes Project 30x 0.00047; gnomAD 0.00052 and 0.00053; TOPMed 0.00060.
gnomAD v4.1: 132 of 1,599,182 alleles (0.0083%); highest among the groups gnomAD compares: African/African-American, 0.17%; 1 homozygote.

Submissions (3):

PreventionGenetics, part of Exact Sciences
Classification: Likely benign for WNK1-related condition. Last evaluated: 2025-10-27. Review status: criteria provided, single submitter. Criteria: ACMG Guidelines, 2015. Collection method: clinical testing. Allele origin: germline.
Comment: This variant is classified as likely benign based on ACMG/AMP sequence variant interpretation guidelines (Richards et al. 2015 PMID: 25741868, with internal and published modifications).

Labcorp Genetics (formerly Invitae), Labcorp
Classification: Uncertain significance for Neuropathy, hereditary sensory and autonomic, type 2A; Pseudohypoaldosteronism type 2C. Last evaluated: 2018-07-30. Review status: criteria provided, single submitter. Criteria: Invitae Variant Classification Sherloc (09022015). Collection method: clinical testing. Allele origin: germline.
Comment: In summary, the available evidence is currently insufficient to determine the role of this variant in disease. Therefore, it has been classified as a Variant of Uncertain Significance. Algorithms developed to predict the effect of missense changes on protein structure and function output the following: SIFT: "Tolerated"; PolyPhen-2: "Benign"; Align-GVGD: "Class C0". The valine amino acid residue is found in multiple mammalian species, suggesting that this missense change does not adversely affect protein function. These predictions have not been confirmed by published functional studies and their clinical significance is uncertain. This variant has not been reported in the literature in individuals with WNK1-related disease. ClinVar contains an entry for this variant (Variation ID: 440420). This variant is present in population databases (rs139449198, ExAC 0.2%). This sequence change replaces isoleucine with valine at codon 801 of the WNK1 protein (p.Ile801Val). The isoleucine residue is moderately conserved and there is a small physicochemical difference between isoleucine and valine.

ARUP Laboratories, Molecular Genetics and Genomics, ARUP Laboratories
Classification: Benign. Last evaluated: 2016-09-28. Review status: criteria provided, single submitter. Criteria: ARUP Molecular Germline Variant Investigation Process. Collection method: clinical testing. Allele origin: germline.